The following is an entry in ClinVar:

ClinVar aggregate classification (germline): Pathogenic. Review status: criteria provided, multiple submitters, no conflicts (2 of 4 stars). 2 submissions from 2 submitters: Pathogenic (2). Last evaluated 2025-06-18.

Conditions:
Hereditary cancer-predisposing syndrome. Also called: Tumor predisposition; Hereditary neoplastic syndrome; Neoplastic Syndromes, Hereditary; Hereditary Cancer Syndrome. Identifiers: Orphanet 140162, MedGen C0027672, MeSH D009386, MONDO:0015356.
Hereditary breast ovarian cancer syndrome. Also called: Hereditary breast and ovarian cancer syndrome (HBOC); Hereditary breast and/or ovarian cancer syndrome; Hereditary breast and ovarian cancer; BRCA1- and BRCA2-Associated Hereditary Breast and Ovarian Cancer; Hereditary breast and ovarian cancer syndrome; Breast and ovarian cancer. Identifiers: Orphanet 145, MedGen C0677776, MeSH D061325, MONDO:0003582. Disease mechanism: loss of function.

Submissions (2):

Labcorp Genetics (formerly Invitae), Labcorp
Classification: Pathogenic for Hereditary breast ovarian cancer syndrome. Last evaluated: 2025-06-18. Review status: criteria provided, single submitter. Criteria: Invitae Variant Classification Sherloc (09022015). Collection method: clinical testing. Allele origin: germline.
Comment: This sequence change creates a premature translational stop signal (p.Gln1227Asnfs*8) in the BRCA1 gene. It is expected to result in an absent or disrupted protein product. Loss-of-function variants in BRCA1 are known to be pathogenic (PMID: 20104584). This variant is not present in population databases (gnomAD no frequency). This variant has not been reported in the literature in individuals affected with BRCA1-related conditions. ClinVar contains an entry for this variant (Variation ID: 1073669). For these reasons, this variant has been classified as Pathogenic.

Ambry Genetics
Classification: Pathogenic for Hereditary cancer-predisposing syndrome. Last evaluated: 2025-02-12. Review status: criteria provided, single submitter. Criteria: Ambry Variant Classification Scheme 2023. Collection method: clinical testing. Allele origin: germline.
Comment: The c.3679delC pathogenic mutation, located in coding exon 9 of the BRCA1 gene, results from a deletion of one nucleotide at nucleotide position 3679, causing a translational frameshift with a predicted alternate stop codon (p.Q1227Nfs*8). This alteration is expected to result in loss of function by premature protein truncation or nonsense-mediated mRNA decay. As such, this alteration is interpreted as a disease-causing mutation.

Literature cited by the submitters: PubMed 20104584 (cited by Labcorp Genetics (formerly Invitae), Labcorp).

NM_007294.4(BRCA1):c.3679del (p.Gln1227fs)

Genes: BRCA1 (BRCA1 DNA repair associated; minus strand), LOC126862571 (BRD4-independent group 4 enhancer GRCh37_chr17:41243136-41244335; plus strand). Cytogenetic location: 17q21.31.
Variant type: Deletion.
Coding change: c.3679del on transcript NM_007294.4 (MANE Select); coding-DNA position 3679, one base deleted (C; older notation c.3679delC).
Protein change: p.Gln1227fs; shifts the reading frame from glutamine 1227.
Molecular consequence: frameshift variant. On other transcripts: intron variant (135).
Genome position (GRCh38, 1-based): chr17:43,091,852, G deleted on the plus strand (C on the coding strand, the reverse complement: BRCA1 is on the minus strand); the first of 2 consecutive G bases (chr17:43,091,852-43,091,853); deleting either gives the same sequence. VCF-style (leftmost placement, unchanged base first): chr17-43091851-TG-T. GRCh37 (hg19) VCF-style: chr17-41243868-TG-T.
Other names: c.575-820del (NM_001408490.1, NM_001408491.1, NM_001408493.1); c.455-820del (NM_001408502.1); c.578-820del (NM_001408489.1, NM_001408479.1, NM_001408482.1 and 9 more transcripts); c.662-820del (NM_001408445.1, NM_001408432.1, NM_001408450.1 and 6 more transcripts); c.668-820del (NM_001408431.1, NM_001408424.1, NM_001408421.1); c.785-820del (NM_001408407.1, NM_001408402.1, NM_001408473.1 and 13 more transcripts); c.665-820del (NM_001408443.1, NM_001408439.1, NM_001408425.1 and 12 more transcripts); c.671-820del (NM_001408419.1, NM_001408418.1, NM_001408422.1 and 2 more transcripts); and 42 more; short protein forms Q1180fs, Q1227fs, Q1226fs, Q1115fs, Q1116fs, Q1138fs, Q1159fs, Q359fs.
Identifiers: ClinVar variation 1073669 (VCV001073669.19), dbSNP rs2154295200, ClinGen allele CA2499224455.